The following is an entry in ClinVar:

ClinVar aggregate classification (germline): Benign/Likely benign. Review status: criteria provided, multiple submitters, no conflicts (2 of 4 stars). 10 submissions from 6 submitters: Benign (7); Likely benign (3). Last evaluated 2025-06-03.

Conditions:
Retinitis pigmentosa 12 (RP12). Also called: RP WITH OR WITHOUT PRESERVED PARAARTERIOLE RETINAL PIGMENT EPITHELIUM; RP WITH OR WITHOUT PPRPE; RETINITIS PIGMENTOSA WITH OR WITHOUT PARAARTERIOLAR PRESERVATION OF RETINAL PIGMENT EPITHELIUM. Identifiers: Orphanet 791, MedGen C1838647, MONDO:0010818, OMIM 600105.
Leber congenital amaurosis 8 (LCA8). Identifiers: Orphanet 65, MedGen C3151202, MONDO:0013453, OMIM 613835.
Retinitis pigmentosa (RP). Identifiers: Orphanet 791, MedGen C0035334, MeSH D012174, MONDO:0019200, OMIM 268000. Inheritance: Autosomal dominant, autosomal recessive and X linked inheritance.
Pigmented paravenous retinochoroidal atrophy. Identifiers: Orphanet 251295, MedGen C1868310, MONDO:0008246, OMIM 172870.

Allele frequency attached by ClinVar (database versions not stated): gnomAD 0.06701 and 0.07060; TOPMed 0.06749; ESP Exome Variant Server 0.07620; gnomAD exomes 0.08731 and 0.06146; 1000 Genomes Project 0.03754; 1000 Genomes Project 30x 0.03904; ExAC 0.06212.
gnomAD v4.1: 135,755 of 1,600,232 alleles (8.5%); highest among the groups gnomAD compares: Non-Finnish European, 10%; 6,713 homozygotes.

Submissions (10):

Labcorp Genetics (formerly Invitae), Labcorp
Classification: Benign for Leber congenital amaurosis 8; Retinitis pigmentosa 12. Last evaluated: 2025-06-03. Review status: criteria provided, single submitter. Criteria: Invitae Variant Classification Sherloc (09022015). Collection method: clinical testing. Allele origin: germline.

Genome-Nilou Lab
Classification: Benign for Leber congenital amaurosis 8. Last evaluated: 2021-07-01. Review status: criteria provided, single submitter. Criteria: ACMG Guidelines, 2015. Collection method: clinical testing. Allele origin: germline. Affected: no.

Genome-Nilou Lab
Classification: Benign for Pigmented paravenous retinochoroidal atrophy. Last evaluated: 2021-07-01. Review status: criteria provided, single submitter. Criteria: ACMG Guidelines, 2015. Collection method: clinical testing. Allele origin: germline. Affected: no.

Genome-Nilou Lab
Classification: Benign for Retinitis pigmentosa 12. Last evaluated: 2021-07-01. Review status: criteria provided, single submitter. Criteria: ACMG Guidelines, 2015. Collection method: clinical testing. Allele origin: germline. Affected: no.

Illumina Laboratory Services, Illumina
Classification: Benign for Retinitis pigmentosa. Last evaluated: 2018-01-13. Review status: criteria provided, single submitter. Criteria: ICSL Variant Classification Criteria 13 December 2019. Collection method: clinical testing. Allele origin: germline.
Comment: This variant was observed in the ICSL laboratory as part of a predisposition screen in an ostensibly healthy population. It had not been previously curated by ICSL or reported in the Human Gene Mutation Database (HGMD: prior to June 1st, 2018), and was therefore a candidate for classification through an automated scoring system. Utilizing variant allele frequency, disease prevalence and penetrance estimates, and inheritance mode, an automated score was calculated to assess if this variant is too frequent to cause the disease. Based on the score and internal cut-off values, a variant classified as benign is not then subjected to further curation. The score for this variant resulted in a classification of benign for this disease.

Illumina Laboratory Services, Illumina
Classification: Benign for Pigmented paravenous retinochoroidal atrophy. Last evaluated: 2018-01-13. Review status: criteria provided, single submitter. Criteria: ICSL Variant Classification Criteria 13 December 2019. Collection method: clinical testing. Allele origin: germline.
Comment: the same text as in the submission from Illumina Laboratory Services, Illumina above.

Illumina Laboratory Services, Illumina
Classification: Likely benign for Leber congenital amaurosis 8. Last evaluated: 2018-01-13. Review status: criteria provided, single submitter. Criteria: ICSL Variant Classification Criteria 13 December 2019. Collection method: clinical testing. Allele origin: germline.
Comment: This variant was observed in the ICSL laboratory as part of a predisposition screen in an ostensibly healthy population. It had not been previously curated by ICSL or reported in the Human Gene Mutation Database (HGMD: prior to June 1st, 2018), and was therefore a candidate for classification through an automated scoring system. Utilizing variant allele frequency, disease prevalence and penetrance estimates, and inheritance mode, an automated score was calculated to assess if this variant is too frequent to cause the disease. Based on the score and internal cut-off values, a variant classified as likely benign is not then subjected to further curation. The score for this variant resulted in a classification of likely benign for this disease.

GeneDx
Classification: Benign. Last evaluated: 2015-03-03. Review status: criteria provided, single submitter. Criteria: GeneDx Variant Classification Process June 2021. Collection method: clinical testing. Allele origin: germline. Affected: yes.
Comment: This variant is associated with the following publications: (PMID: 28819299)

Breakthrough Genomics
Classification: Likely benign. Review status: criteria provided, single submitter. Criteria: ACMG Guidelines, 2015. Collection method: not provided. Allele origin: germline. Inheritance: Autosomal recessive inheritance. Affected: yes.

PreventionGenetics, part of Exact Sciences
Classification: Likely benign. Review status: criteria provided, single submitter. Criteria: ACMG Guidelines, 2015. Collection method: clinical testing. Allele origin: germline.

NM_201253.3(CRB1):c.*28T>C

Gene: CRB1 (crumbs cell polarity complex component 1; plus strand). Cytogenetic location: 1q31.3.
Variant type: single nucleotide variant.
Coding change: c.*28T>C on transcript NM_201253.3 (MANE Select); 28 bases downstream of the stop codon, T replaced by C.
Molecular consequence: 3 prime UTR variant. On other transcripts: non-coding transcript variant (2).
Genome position (GRCh38, 1-based): chr1:197,477,907, T>C. VCF-style: chr1-197477907-T-C. GRCh37 (hg19) VCF-style: chr1-197447037-T-C.
Other names: c.*28T>C (NM_001193640.2, NM_001257965.2, NM_001257966.2).
Identifiers: ClinVar variation 263259 (VCV000263259.21), dbSNP rs41302107, ClinGen allele CA1312581.